The following is an entry in ClinVar:

ClinVar aggregate classification (germline): Uncertain significance (1 of 4 stars; one submission).

Submission:

Ambry Genetics
Classification: Uncertain significance. Last evaluated: 2024-02-22. Review status: criteria provided, single submitter. Criteria: Ambry Variant Classification Scheme 2023. Collection method: clinical testing. Allele origin: germline.
Comment: The p.G310E variant (also known as c.929G>A), located in coding exon 7 of the RECQL gene, results from a G to A substitution at nucleotide position 929. The glycine at codon 310 is replaced by glutamic acid, an amino acid with similar properties. This amino acid position is conserved. In addition, this alteration is predicted to be tolerated by in silico analysis. Based on the available evidence, the clinical significance of this alteration remains unclear.

NM_002907.4(RECQL):c.929G>A (p.Gly310Glu)

Gene: RECQL (RecQ like helicase; minus strand). Cytogenetic location: 12p12.1.
Variant type: single nucleotide variant.
Coding change: c.929G>A on transcript NM_002907.4 (MANE Select); coding-DNA position 929, G replaced by A.
Protein change: p.Gly310Glu; replaces glycine 310 with glutamic acid.
Molecular consequence: missense variant.
Genome position (GRCh38, 1-based): chr12:21,476,931, C>T on the plus strand (G>A on the coding strand, the complement: RECQL is on the minus strand). VCF-style: chr12-21476931-C-T. GRCh37 (hg19) VCF-style: chr12-21629865-C-T.
Other names: c.929G>A, p.Gly310Glu (NM_032941.3); short protein forms G310E.
Identifiers: ClinVar variation 3222996 (VCV003222996.1), dbSNP rs1943097891, ClinGen allele CA384122907.
Genomic context (GRCh38, chr12:21,476,931, plus strand): 5'-AGTTATCTCTGTCTCCAAAGTTGGTTTGTTTTTACATTACCTGATTGCCCTTTGTATCTC[C>T]CATTAATGAGCTTTACAATATCCTCAATAAAATCTTCAGTGTTTGAGGGCTTCTGCCGAA-3'
Protein context (NP_002898.2, residues 300-320): FIEDIVKLIN[Gly310Glu]RYKGQSGIIY